The following is an entry in ClinVar:

ClinVar aggregate classification (germline): Benign/Likely benign. Review status: criteria provided, multiple submitters, no conflicts (2 of 4 stars). 6 submissions from 6 submitters: Benign (1); Likely benign (5). Last evaluated 2026-06-10.

Conditions:
AXIN2-related disorder.
Hereditary cancer-predisposing syndrome. Also called: Neoplastic Syndromes, Hereditary; Tumor predisposition; Hereditary Cancer Syndrome; Hereditary neoplastic syndrome. Identifiers: Orphanet 140162, MedGen C0027672, MeSH D009386, MONDO:0015356.
Oligodontia-cancer predisposition syndrome. Also called: TOOTH AGENESIS-COLORECTAL CANCER SYNDROME. Identifiers: Orphanet 300576, MedGen C1837750, MONDO:0012075, OMIM 608615. Disease mechanism: loss of function.

Allele frequency attached by ClinVar (database versions not stated): gnomAD exomes 0.00003 and 0.00001; TOPMed 0.00007; 1000 Genomes Project 30x 0.00016; 1000 Genomes Project 0.00020; ExAC 0.00001; gnomAD 0.00002 and 0.00003.

Submissions (6):

PreventionGenetics, part of Exact Sciences
Classification: Likely benign for AXIN2-related condition. Last evaluated: 2026-06-10. Review status: criteria provided, single submitter. Criteria: ACMG Guidelines, 2015. Collection method: clinical testing. Allele origin: germline.
Comment: This variant is classified as likely benign based on ACMG/AMP sequence variant interpretation guidelines (Richards et al. 2015 PMID: 25741868, with internal and published modifications).

Labcorp Genetics (formerly Invitae), Labcorp
Classification: Likely benign for Oligodontia-cancer predisposition syndrome. Last evaluated: 2026-01-26. Review status: criteria provided, single submitter. Criteria: Invitae Variant Classification Sherloc (09022015). Collection method: clinical testing. Allele origin: germline.

Myriad Genetics, Inc.
Classification: Benign for Oligodontia-cancer predisposition syndrome. Last evaluated: 2024-07-08. Review status: criteria provided, single submitter. Criteria: Myriad Autosomal Dominant, Autosomal Recessive and X-Linked Classification Criteria (2023). Collection method: clinical testing. Allele origin: unknown.
Comment: This variant is considered benign. This variant is a silent/synonymous amino acid change and it is not expected to impact splicing.

Quest Diagnostics Nichols Institute San Juan Capistrano
Classification: Likely benign. Last evaluated: 2022-10-27. Review status: criteria provided, single submitter. Criteria: Quest Diagnostics criteria. Collection method: clinical testing. Allele origin: unknown.
Comment: To the best of our knowledge, the variant has not been reported in individuals with AXIN2-related conditions in the published literature. The frequency of this variant in the general population, 0.000008 (2/251490 chromosomes), is uninformative in assessment of its pathogenicity. Analysis of this variant using bioinformatics tools for the prediction of the effect of amino acid changes on protein structure and function yielded predictions that this variant is benign. Based on the available information, we are unable to determine the clinical significance of this variant.

GeneDx
Classification: Likely benign. Last evaluated: 2020-12-07. Review status: criteria provided, single submitter. Criteria: GeneDx Variant Classification Process June 2021. Collection method: clinical testing. Allele origin: germline. Affected: yes.

Ambry Genetics
Classification: Likely benign for Hereditary cancer-predisposing syndrome. Last evaluated: 2020-01-09. Review status: criteria provided, single submitter. Criteria: Ambry Variant Classification Scheme 2023. Collection method: clinical testing. Allele origin: germline.

NM_004655.4(AXIN2):c.1758G>A (p.Thr586=)

Gene: AXIN2 (axin 2; minus strand). Cytogenetic location: 17q24.1.
Variant type: single nucleotide variant.
Coding change: c.1758G>A on transcript NM_004655.4 (MANE Select); coding-DNA position 1758, G replaced by A.
Protein change: p.Thr586=; no amino-acid change (threonine 586 retained).
Molecular consequence: synonymous variant. On other transcripts: intron variant (1).
Genome position (GRCh38, 1-based): chr17:65,537,018, C>T on the plus strand (G>A on the coding strand, the complement: AXIN2 is on the minus strand). VCF-style: chr17-65537018-C-T. GRCh37 (hg19) VCF-style: chr17-63533136-C-T.
Other names: c.1758G>A (LRG_296t1); c.1712+306G>A (NM_001363813.1).
Identifiers: ClinVar variation 388466 (VCV000388466.19), dbSNP rs542864768, ClinGen allele CA8718533.